The following is an entry in ClinVar:

ClinVar aggregate classification (germline): Uncertain significance. Review status: criteria provided, multiple submitters, no conflicts (2 of 4 stars). 2 submissions from 2 submitters: Uncertain significance (2). Last evaluated 2022-05-04.

Conditions:
Achondrogenesis, type IA (ACG1A). Identifiers: Orphanet 932, Orphanet 93299, MedGen C0265273, MONDO:0008701, OMIM 200600.

Allele frequency attached by ClinVar (database versions not stated): gnomAD exomes below 0.00001 and 0.00002; gnomAD 0.00005; TOPMed 0.00005.
gnomAD v4.1: 14 of 1,612,514 alleles (0.00087%); highest among the groups gnomAD compares: Admixed American, 0.02%; no homozygotes.

Submissions (2):

Labcorp Genetics (formerly Invitae), Labcorp
Classification: Uncertain significance for Achondrogenesis, type IA. Last evaluated: 2022-05-04. Review status: criteria provided, single submitter. Criteria: Invitae Variant Classification Sherloc (09022015). Collection method: clinical testing. Allele origin: germline.
Comment: This sequence change replaces isoleucine, which is neutral and non-polar, with threonine, which is neutral and polar, at codon 229 of the TRIP11 protein (p.Ile229Thr). In summary, the available evidence is currently insufficient to determine the role of this variant in disease. Therefore, it has been classified as a Variant of Uncertain Significance. Algorithms developed to predict the effect of missense changes on protein structure and function are either unavailable or do not agree on the potential impact of this missense change (SIFT: "Not Available"; PolyPhen-2: "Possibly Damaging"; Align-GVGD: "Not Available"). ClinVar contains an entry for this variant (Variation ID: 314974). This variant has not been reported in the literature in individuals affected with TRIP11-related conditions. This variant is present in population databases (no rsID available, gnomAD 0.01%).

Illumina Laboratory Services, Illumina
Classification: Uncertain significance for Achondrogenesis, type IA. Last evaluated: 2018-01-13. Review status: criteria provided, single submitter. Criteria: ICSL Variant Classification Criteria 13 December 2019. Collection method: clinical testing. Allele origin: germline.

NM_004239.4(TRIP11):c.686T>C (p.Ile229Thr)

Gene: TRIP11 (thyroid hormone receptor interactor 11; minus strand). Cytogenetic location: 14q32.12.
Variant type: single nucleotide variant.
Coding change: c.686T>C on transcript NM_004239.4 (MANE Select); coding-DNA position 686, T replaced by C.
Protein change: p.Ile229Thr; replaces isoleucine 229 with threonine.
Molecular consequence: missense variant.
Genome position (GRCh38, 1-based): chr14:92,015,833, A>G on the plus strand (T>C on the coding strand, the complement: TRIP11 is on the minus strand). VCF-style: chr14-92015833-A-G. GRCh37 (hg19) VCF-style: chr14-92482177-A-G.
Other names: c.683T>C, p.Ile228Thr (NM_001321851.1); short protein forms I229T, I228T.
Identifiers: ClinVar variation 314974 (VCV000314974.9), dbSNP rs886050908, ClinGen allele CA10635550.
Genomic context (GRCh38, chr14:92,015,833, plus strand): 5'-TCTGTCAATTTCTGTTGGTGTGCATTCTGCAGTACTGACATTTCATGTTGATGGTCATCA[A>G]TTTCCTGACTTCGGTTCTGTTTTAGTTCCTTAAAAAATAAAAACAAAGTTATTCACATTT-3'
Protein context (NP_004230.2, residues 219-239): KELKQNRSQE[Ile229Thr]DDHQHEMSVL